The following is an entry in ClinVar:

ClinVar aggregate classification (germline): Uncertain significance (1 of 4 stars; one submission).

Conditions:
Hereditary cancer-predisposing syndrome. Also called: Hereditary neoplastic syndrome; Neoplastic Syndromes, Hereditary; Tumor predisposition; Hereditary Cancer Syndrome. Identifiers: Orphanet 140162, MedGen C0027672, MeSH D009386, MONDO:0015356.

Submission:

Ambry Genetics
Classification: Uncertain significance for Hereditary cancer-predisposing syndrome. Last evaluated: 2025-01-23. Review status: criteria provided, single submitter. Criteria: Ambry Variant Classification Scheme 2023. Collection method: clinical testing. Allele origin: germline.
Comment: The p.N198K variant (also known as c.594T>G), located in coding exon 6 of the EPCAM gene, results from a T to G substitution at nucleotide position 594. The asparagine at codon 198 is replaced by lysine, an amino acid with similar properties. This amino acid position is conserved. In addition, this alteration is predicted to be tolerated by in silico analysis. Based on the available evidence, the clinical significance of this variant remains unclear.

NM_002354.3(EPCAM):c.594T>G (p.Asn198Lys)

Gene: EPCAM (epithelial cell adhesion molecule; plus strand). Cytogenetic location: 2p21.
Variant type: single nucleotide variant.
Coding change: c.594T>G on transcript NM_002354.3 (MANE Select); coding-DNA position 594, T replaced by G.
Protein change: p.Asn198Lys; replaces asparagine 198 with lysine.
Molecular consequence: missense variant.
Genome position (GRCh38, 1-based): chr2:47,378,991, T>G. VCF-style: chr2-47378991-T-G. GRCh37 (hg19) VCF-style: chr2-47606130-T-G.
Other names: short protein forms N198K.
Identifiers: ClinVar variation 3845300 (VCV003845300.1).